The following is an entry in ClinVar:

ClinVar aggregate classification (germline): Conflicting classifications of pathogenicity. Review status: criteria provided, conflicting classifications (1 of 4 stars). 5 submissions from 5 submitters: Uncertain significance (3); Likely benign (1). 1 of the submissions does not count toward it. Last evaluated 2025-06-24.

Conditions:
Familial cancer of breast. Also called: BREAST CANCER, FAMILIAL; Hereditary breast cancer; hereditary breast carcinoma. Identifiers: Orphanet 227535, MedGen C0346153, MONDO:0016419, OMIM 114480. Disease mechanism: loss of function.
Hereditary cancer-predisposing syndrome. Also called: Hereditary Cancer Syndrome; Hereditary neoplastic syndrome; Neoplastic Syndromes, Hereditary; Tumor predisposition. Identifiers: Orphanet 140162, MedGen C0027672, MeSH D009386, MONDO:0015356.
Hereditary breast ovarian cancer syndrome. Also called: Hereditary breast and ovarian cancer; Breast and ovarian cancer; Hereditary breast and ovarian cancer syndrome; Hereditary breast and/or ovarian cancer syndrome; BRCA1- and BRCA2-Associated Hereditary Breast and Ovarian Cancer; Hereditary breast and ovarian cancer syndrome (HBOC). Identifiers: Orphanet 145, MedGen C0677776, MeSH D061325, MONDO:0003582. Disease mechanism: loss of function.

Allele frequency attached by ClinVar (database versions not stated): gnomAD exomes below 0.00001.
gnomAD v4.1: 1 of 1,614,154 alleles (0.000062%); highest among the groups gnomAD compares: Non-Finnish European, 0.000085%; no homozygotes.

Submissions (5):

Color Diagnostics, LLC DBA Color Health
Classification: Uncertain significance for Hereditary cancer-predisposing syndrome. Last evaluated: 2025-06-24. Review status: criteria provided, single submitter. Criteria: ACMG Guidelines, 2015. Collection method: clinical testing. Allele origin: germline.
Comment: This missense variant replaces leucine with phenylalanine at codon 2736 of the BRCA2 protein. Computational prediction is inconclusive regarding the impact of this variant on protein structure and function. Functional studies have reported conflicting findings for this variant as functionally neutral in a haploid cell proliferation assay (PMID: 33691754) and defective in sensitivity assays to cisplatin and PARP inhibitor (PMID: 39779848). This variant has been reported in an individual affected with breast, ovarian, endometrial or colon cancer (PMID: 31843900). A multifactorial analysis reported a likelihood ratio of 0.429 based on the personal and family history for one carrier (PMID: 31853058). This variant has not been identified in the general population by the Genome Aggregation Database (gnomAD). The available evidence is insufficient to determine the role of this variant in disease conclusively. Therefore, this variant is classified as a Variant of Uncertain Significance.

Baylor Genetics
Classification: Uncertain significance for Familial cancer of breast. Last evaluated: 2023-01-23. Review status: criteria provided, single submitter. Criteria: ACMG Guidelines, 2015. Collection method: clinical testing. Allele origin: unknown.

Labcorp Genetics (formerly Invitae), Labcorp
Classification: Uncertain significance for Hereditary breast ovarian cancer syndrome. Last evaluated: 2022-03-15. Review status: criteria provided, single submitter. Criteria: Invitae Variant Classification Sherloc (09022015). Collection method: clinical testing. Allele origin: germline.
Comment: In summary, the available evidence is currently insufficient to determine the role of this variant in disease. Therefore, it has been classified as a Variant of Uncertain Significance. Algorithms developed to predict the effect of missense changes on protein structure and function are either unavailable or do not agree on the potential impact of this missense change (SIFT: "Deleterious"; PolyPhen-2: "Probably Damaging"; Align-GVGD: "Class C15"). ClinVar contains an entry for this variant (Variation ID: 441452). This variant has not been reported in the literature in individuals affected with BRCA2-related conditions. This variant is not present in population databases (gnomAD no frequency). This sequence change replaces leucine, which is neutral and non-polar, with phenylalanine, which is neutral and non-polar, at codon 2736 of the BRCA2 protein (p.Leu2736Phe). Studies have shown that this missense change does not affect mRNA splicing (PMID: 31843900).

Ambry Genetics
Classification: Likely benign for Hereditary cancer-predisposing syndrome. Last evaluated: 2022-01-09. Review status: criteria provided, single submitter. Criteria: Ambry Variant Classification Scheme 2023. Collection method: clinical testing. Allele origin: germline.

King Laboratory, University of Washington
Classification: Benign. Last evaluated: 2019-09-01. Review status: no assertion criteria provided. Collection method: research. Allele origin: germline. Affected: yes. Not counted in ClinVar's aggregate classification.
Comment: Transcript analysis by cBROCA

Literature cited by the submitters: PubMed 31843900 (cited by 3 submitters); PubMed 31853058 (cited by Color Diagnostics, LLC DBA Color Health); PubMed 33691754 (cited by Color Diagnostics, LLC DBA Color Health); PubMed 39779848 (cited by Color Diagnostics, LLC DBA Color Health).

NM_000059.4(BRCA2):c.8206C>T (p.Leu2736Phe)

Gene: BRCA2 (BRCA2 DNA repair associated; plus strand). Cytogenetic location: 13q13.1.
Variant type: single nucleotide variant.
Coding change: c.8206C>T on transcript NM_000059.4 (MANE Select); coding-DNA position 8206, C replaced by T.
Protein change: p.Leu2736Phe; replaces leucine 2736 with phenylalanine.
Molecular consequence: missense variant.
Genome position (GRCh38, 1-based): chr13:32,363,408, C>T. VCF-style: chr13-32363408-C-T. GRCh37 (hg19) VCF-style: chr13-32937545-C-T.
Other names: p.lle2736Phe; short protein forms L2736F.
Identifiers: ClinVar variation 441452 (VCV000441452.15), dbSNP rs1555287042, ClinGen allele CA387749757.